The following is an entry in ClinVar:

NM_001100913.3(PACS2):c.1666G>A (p.Ala556Thr)

Gene: PACS2 (phosphofurin acidic cluster sorting protein 2; plus strand). Cytogenetic location: 14q32.33.
Variant type: single nucleotide variant.
Coding change: c.1666G>A on transcript NM_001100913.3 (MANE Select); coding-DNA position 1666, G replaced by A.
Protein change: p.Ala556Thr; replaces alanine 556 with threonine.
Molecular consequence: missense variant.
Genome position (GRCh38, 1-based): chr14:105,383,399, G>A. VCF-style: chr14-105383399-G-A. GRCh37 (hg19) VCF-style: chr14-105849736-G-A.
Other names: c.1429G>A, p.Ala477Thr (NM_001243127.3); c.1654G>A, p.Ala552Thr (NM_015197.4); short protein forms A477T, A552T, A556T.
Identifiers: ClinVar variation 3628283 (VCV003628283.2).

ClinVar aggregate classification (germline): Uncertain significance (1 of 4 stars; one submission).

gnomAD v4.1: 10 of 1,607,136 alleles (0.00062%); highest among the groups gnomAD compares: South Asian, 0.0011%; no homozygotes.

Submission:

Labcorp Genetics (formerly Invitae), Labcorp
Classification: Uncertain significance. Last evaluated: 2024-04-02. Review status: criteria provided, single submitter. Criteria: Invitae Variant Classification Sherloc (09022015). Collection method: clinical testing. Allele origin: germline.
Comment: This sequence change replaces alanine, which is neutral and non-polar, with threonine, which is neutral and polar, at codon 556 of the PACS2 protein (p.Ala556Thr). This variant is present in population databases (rs782751075, gnomAD 0.003%). This variant has not been reported in the literature in individuals affected with PACS2-related conditions. Advanced modeling of protein sequence and biophysical properties (such as structural, functional, and spatial information, amino acid conservation, physicochemical variation, residue mobility, and thermodynamic stability) has been performed at Invitae for this missense variant, however the output from this modeling did not meet the statistical confidence thresholds required to predict the impact of this variant on PACS2 protein function. In summary, the available evidence is currently insufficient to determine the role of this variant in disease. Therefore, it has been classified as a Variant of Uncertain Significance.